The following is an entry in ClinVar:

NM_001291415.2(KDM6A):c.1803A>T (p.Arg601Ser)

Gene: KDM6A (lysine demethylase 6A; plus strand). Cytogenetic location: Xp11.3.
Variant type: single nucleotide variant.
Coding change: c.1803A>T on transcript NM_001291415.2 (MANE Select); coding-DNA position 1803, A replaced by T.
Protein change: p.Arg601Ser; replaces arginine 601 with serine.
Molecular consequence: missense variant. On other transcripts: non-coding transcript variant (1).
Genome position (GRCh38, 1-based): chrX:45,063,541, A>T. VCF-style: chrX-45063541-A-T. GRCh37 (hg19) VCF-style: chrX-44922786-A-T.
Other names: c.1647A>T, p.Arg549Ser (NM_001419812.1, NM_021140.4); c.1701A>T, p.Arg567Ser (NM_001419813.1, NM_001419810.1); c.1545A>T, p.Arg515Ser (NM_001419814.1, NM_001410742.1); c.1410A>T, p.Arg470Ser (NM_001419815.1, NM_001291418.2); c.1668A>T, p.Arg556Ser (NM_001291416.2, NM_001419811.1); c.1512A>T, p.Arg504Ser (NM_001291417.2); c.759A>T, p.Arg253Ser (NM_001291421.2); c.1803A>T, p.Arg601Ser (NM_001419809.1); short protein forms R253S, R470S, R504S, R515S, R549S, R556S, R567S, R601S.
Identifiers: ClinVar variation 4852285 (VCV004852285.1).

ClinVar aggregate classification (germline): Likely benign (1 of 4 stars; one submission).

Conditions:
Kabuki syndrome 2 (KABUK2). Also called: KDM6A-Related Kabuki Syndrome. Identifiers: Orphanet 2322, MedGen C3275495, MONDO:0010465, OMIM 300867.

Submission:

Centre for Medical Genetics,  Mumbai
Classification: Likely benign for Kabuki syndrome 2. Last evaluated: 2026-05-04. Review status: criteria provided, single submitter. Criteria: ACMG Guidelines, 2015. Collection method: provider interpretation. Allele origin: germline. Inheritance: X-linked dominant inheritance. Affected: no. Observed: 1 variant allele, 1 heterozygote.
Comment: The variant satisfies PM2 criteria - extremely low frequency in gnomAD population databases. However, the variant satisfies BS2 criteria - present in heterozygous state in an individual that clinically does not have Kabuki syndrome.

Literature cited by the submitters: PubMed 22197486.